The following continues an entry in ClinVar:

NM_001018005.2(TPM1):c.523G>A (p.Asp175Asn)

Gene: TPM1. ClinVar aggregate classification (germline): Pathogenic. Pathogenic (19).

Submissions 9 to 25 of 25:

Ambry Genetics
Classification: Pathogenic for Cardiovascular phenotype. Last evaluated: 2023-12-15. Review status: criteria provided, single submitter. Criteria: Ambry Variant Classification Scheme 2023. Collection method: clinical testing. Allele origin: germline.
Comment: The c.523G>A (p.D175N) alteration is located in exon 5 (coding exon 5) of the TPM1 gene. This alteration results from a G to A substitution at nucleotide position 523, causing the aspartic acid (D) at amino acid position 175 to be replaced by an asparagine (N). Based on data from gnomAD, the A allele has an overall frequency of 0.002% (5/282804) total alleles studied. The highest observed frequency was 0.016% (4/25076) of European (Finnish) alleles. This alteration has been reported in multiple individuals with hypertrophic cardiomyopathy (HCM). It was initially described in a cohort of Finnish families with HCM with evidence that it stemmed from a common ancestor, although a case of probable de novo occurrence was reported (Watkins, 1995; J&auml;&auml;skel&auml;inen, 2004; Hedman, 2004; J&auml;&auml;skel&auml;inen, 2013). This amino acid position is well conserved in available vertebrate species. Functional studies have shown the presence of this alteration affected local stability of the tropomyosin 1 protein and increased calcium sensitivity and residual ATPase activity, with impact on calcium-dependent signaling cascades (Bottinelli, 1998; Ly, 2012; Robinson, 2018). This alteration is predicted to be deleterious by in silico analysis. Based on the available evidence, this alteration is classified as pathogenic.

Clinical Genetics Laboratory, Skane University Hospital Lund
Classification: Pathogenic. Last evaluated: 2023-08-25. Review status: criteria provided, single submitter. Criteria: ACMG Guidelines, 2015. Collection method: clinical testing. Allele origin: germline. Affected: yes.

KardioGenetik, Herz- und Diabeteszentrum NRW
Classification: Pathogenic for Hypertrophic cardiomyopathy 3. Last evaluated: 2023-05-24. Review status: criteria provided, single submitter. Criteria: ACMG Guidelines, 2015. Collection method: clinical testing. Allele origin: unknown. Inheritance: Autosomal dominant inheritance.

GeneDx
Classification: Pathogenic. Last evaluated: 2023-02-24. Review status: criteria provided, single submitter. Criteria: GeneDx Variant Classification Process June 2021. Collection method: clinical testing. Allele origin: germline. Affected: yes.
Comment: In silico analysis supports that this missense variant has a deleterious effect on protein structure/function; Several published functional studies have shown the deleterious effects of p.(D175N) (Muthuchamy et al., 1999; Mathur et al., 2011; Ly et al., 2012; Sewanan et al., 2016), including an in vitro study performed by Bottinelli et al., 1998, that showed that p.(D175N) results in increased calcium sensitivity; This variant is associated with the following publications: (PMID: 32217077, 15000344, 8523464, 16504640, 9822100, 12473556, 16014439, 27833562, 7729014, 31270709, 30775854, 22462493, 22155441, 21295541, 21376702, 22789852, 9245729, 10900175, 22794249, 21320446, 22187526, 25241052, 10400910, 23283745, 8205619, 21310275, 27878731, 27532257, 28166811, 29915098, 29760186, 8774330, 9060904, 11606294, 7898523, 30165862, 30923661, 31643006, 14734051, 9440709, 33906374, 33673806, 35653365, 28193612)

CHEO Genetics Diagnostic Laboratory, Children's Hospital of Eastern Ontario
Classification: Pathogenic for Cardiomyopathy. Last evaluated: 2022-10-04. Review status: criteria provided, single submitter. Criteria: ACMG Guidelines, 2015. Collection method: clinical testing. Allele origin: germline.

MGZ Medical Genetics Center
Classification: Pathogenic for Hypertrophic cardiomyopathy 3. Last evaluated: 2022-02-11. Review status: criteria provided, single submitter. Criteria: ACMG Guidelines, 2015. Collection method: clinical testing. Allele origin: germline. Affected: yes. Observed: 2 variant alleles.
Comment: ACMG criteria applied: PS3, PS4, PM2_SUP, PP3

Institute of Medical Genetics and Applied Genomics, University Hospital Tübingen
Classification: Pathogenic. Last evaluated: 2021-06-17. Review status: criteria provided, single submitter. Criteria: ACMG Guidelines, 2015. Collection method: clinical testing. Allele origin: germline. Inheritance: Autosomal dominant inheritance. Affected: yes.

Color Diagnostics, LLC DBA Color Health
Classification: Pathogenic for Cardiomyopathy. Last evaluated: 2019-10-10. Review status: criteria provided, single submitter. Criteria: ACMG Guidelines, 2015. Collection method: clinical testing. Allele origin: germline.
Comment: This missense variant replaces aspartic acid with asparagine at codon 175 of the TPM1 protein. Computational prediction suggests that this variant may have deleterious impact on protein structure and function (internally defined REVEL score threshold >= 0.7, PMID: 27666373). Splice site prediction tools suggest that this variant may not impact RNA splicing. Functional studies have shown that this variant increases calcium sensitivity, sliding velocity and the bending flexibility of the thin filaments (PMID: 9245729, 10900175, 22789852, 22794249, 29361520, 30923661). Transgenic mouse expressing this variant only in heart exhibited myocardial functional impairment and histologic structural changes as in the human form of the disease (PMID: 10400910). This variant is a common founder mutation in Finnish population and has been reported in many individuals affected with hypertrophic cardiomyopathy (PMID: 7729014, 8205619, 8523464, 9060904, 14734051, 15000344, 16014439, 16504640, 22239901, 22462493). It has been shown that this variant segregates with the disease in at least three families (PMID: 7729014, 8205619, 9060904). This variant has been identified in 5/282804 chromosomes in the general population by the Genome Aggregation Database (gnomAD). Based on the available evidence, this variant is classified as Pathogenic.

Centre for Mendelian Genomics, University Medical Centre Ljubljana
Classification: Pathogenic for Hypertrophic cardiomyopathy. Last evaluated: 2017-01-01. Review status: criteria provided, single submitter. Criteria: ACMG Guidelines, 2015. Collection method: clinical testing. Allele origin: unknown. Affected: yes.

Laboratory for Molecular Medicine, Mass General Brigham Personalized Medicine
Classification: Pathogenic for Hypertrophic cardiomyopathy. Last evaluated: 2016-05-03. Review status: criteria provided, single submitter. Criteria: LMM Criteria. Collection method: clinical testing. Allele origin: germline. Inheritance: Autosomal dominant inheritance. Observed: 15 variant alleles.
Comment: The p.Asp175Asn variant in TPM1 has been reported in multiple individuals with H CM, segregated with disease in more than 15 families, and occurred de novo in at least 1 individual (Thierfelder 1994, Nakajima-Taniguchi 1995, Watkins 1995, Co viello 1997, Van Driest 2002, Hedman 2004, Sipola 2005, Poutanen 2006, Jaaskelai nen 2013). It was also absent from large population studies. Additionally, funct ional studies support a pathogenic role for this variant (Bottinelli 1998, Muthu chamy 1999, Mathur 2011, Bai 2011, Borovikov 2011, Wang 2011, Li 2012, Ly 2012, Rysev 2012). In summary, the p.Asp175Asn variant meets our criteria to be classi fied as pathogenic for HCM in an autosomal dominant manner based on segregation studies and functional evidence.

Centre for Mendelian Genomics, University Medical Centre Ljubljana
Classification: Pathogenic for Dilated cardiomyopathy 1Y. Last evaluated: 2016-01-01. Review status: criteria provided, single submitter. Criteria: ACMG Guidelines, 2015. Collection method: clinical testing. Allele origin: unknown. Affected: yes.
Comment: This variant was classified as: Pathogenic. The following ACMG criteria were applied in classifying this variant: PS1,PS3,PP2,PP3.

Leiden Muscular Dystrophy (TPM1)
No classification provided. Condition: Familial hypertrophic cardiomyopathy 3. Last evaluated: 2012-04-15. Review status: no classification provided. Collection method: curation. Allele origin: germline. Not counted in ClinVar's aggregate classification.

OMIM
Classification: Pathogenic for CARDIOMYOPATHY, FAMILIAL HYPERTROPHIC, 3. Last evaluated: 1995-05-01. Review status: no assertion criteria provided. Collection method: literature only. Allele origin: germline. Not counted in ClinVar's aggregate classification.

Clinical Genetics DNA and cytogenetics Diagnostics Lab, Erasmus MC, Erasmus Medical Center
Classification: Pathogenic. Review status: no assertion criteria provided. Collection method: clinical testing. Allele origin: germline. Affected: yes. Study: VKGL Data-share Consensus. Not counted in ClinVar's aggregate classification.

Clinical Genetics, Academic Medical Center
Classification: Pathogenic. Review status: no assertion criteria provided. Collection method: clinical testing. Allele origin: germline. Affected: yes. Study: VKGL Data-share Consensus. Not counted in ClinVar's aggregate classification.

Genome Diagnostics Laboratory, University Medical Center Utrecht
Classification: Pathogenic. Review status: no assertion criteria provided. Collection method: clinical testing. Allele origin: germline. Affected: yes. Study: VKGL Data-share Consensus. Not counted in ClinVar's aggregate classification.

Joint Genome Diagnostic Labs from Nijmegen and Maastricht, Radboudumc and MUMC+
Classification: Pathogenic. Review status: no assertion criteria provided. Collection method: clinical testing. Allele origin: germline. Affected: yes. Study: VKGL Data-share Consensus. Not counted in ClinVar's aggregate classification.

Literature cited by the submitters: PubMed 7729014 (cited by 6 submitters); PubMed 8205619 (cited by 5 submitters); PubMed 9060904 (cited by 3 submitters); PubMed 22462493 (cited by 5 submitters); PubMed 25548289 (cited by Labcorp Genetics (formerly Invitae), Labcorp); PubMed 9245729 (cited by Labcorp Genetics (formerly Invitae), Labcorp); PubMed 10400910 (cited by 6 submitters); PubMed 10900175 (cited by Labcorp Genetics (formerly Invitae), Labcorp); PubMed 22155441 (cited by Labcorp Genetics (formerly Invitae), Labcorp and Laboratory for Molecular Medicine, Mass General Brigham Personalized Medicine); PubMed 24888384 (cited by 3billion); PubMed 14734051 (cited by 3 submitters); PubMed 29760186 (cited by Illumina Laboratory Services, Illumina and Ambry Genetics); PubMed 9440709 (cited by 3 submitters); PubMed 9822100 (cited by Molecular Genetics, Royal Melbourne Hospital); PubMed 15000344 (cited by Ambry Genetics); PubMed 22794249 (cited by Ambry Genetics and Laboratory for Molecular Medicine, Mass General Brigham Personalized Medicine); PubMed 16014439 (cited by Laboratory for Molecular Medicine, Mass General Brigham Personalized Medicine); PubMed 12473556 (cited by Laboratory for Molecular Medicine, Mass General Brigham Personalized Medicine); PubMed 8523464 (cited by Laboratory for Molecular Medicine, Mass General Brigham Personalized Medicine); PubMed 16504640 (cited by Laboratory for Molecular Medicine, Mass General Brigham Personalized Medicine); PubMed 21295541 (cited by Laboratory for Molecular Medicine, Mass General Brigham Personalized Medicine); PubMed 21320446 (cited by Laboratory for Molecular Medicine, Mass General Brigham Personalized Medicine); PubMed 21376702 (cited by Laboratory for Molecular Medicine, Mass General Brigham Personalized Medicine); PubMed 22187526 (cited by Laboratory for Molecular Medicine, Mass General Brigham Personalized Medicine); PubMed 22789852 (cited by Laboratory for Molecular Medicine, Mass General Brigham Personalized Medicine).